The following is an entry in ClinVar:

NM_000179.3(MSH6):c.3290C>T (p.Pro1097Leu)

Gene: MSH6 (mutS homolog 6; plus strand). Cytogenetic location: 2p16.3.
Variant type: single nucleotide variant.
Coding change: c.3290C>T on transcript NM_000179.3 (MANE Select); coding-DNA position 3290, C replaced by T.
Protein change: p.Pro1097Leu; replaces proline 1097 with leucine.
Molecular consequence: missense variant. On other transcripts: non-coding transcript variant (5), intron variant (1).
Genome position (GRCh38, 1-based): chr2:47,803,537, C>T. VCF-style: chr2-47803537-C-T. GRCh37 (hg19) VCF-style: chr2-48030676-C-T.
Other names: c.2900C>T, p.Pro967Leu (NM_001281492.2); c.2384C>T, p.Pro795Leu (NM_001281493.2, NM_001281494.2, NM_001406811.1 and 6 more transcripts); c.3386C>T, p.Pro1129Leu (NM_001406795.1, NM_001406802.1); c.3290C>T, p.Pro1097Leu (NM_001406796.1, NM_001406800.1, NM_001406808.1 and 1 more transcripts); c.2993C>T, p.Pro998Leu (NM_001406797.1, NM_001406801.1, NM_001406805.1 and 10 more transcripts); c.2765C>T, p.Pro922Leu (NM_001406799.1, NM_001406806.1, NM_001406807.1); c.2426C>T, p.Pro809Leu (NM_001406803.1); c.3212C>T, p.Pro1071Leu (NM_001406804.1); and 7 more; short protein forms P1071L, P1129L, P412L, P46L, P1041L, P1099L, P24L, P922L.
Identifiers: ClinVar variation 3398932 (VCV003398932.1).

ClinVar aggregate classification (germline): Uncertain significance (1 of 4 stars; one submission).

Conditions:
Hereditary cancer-predisposing syndrome. Also called: Hereditary Cancer Syndrome; Tumor predisposition; Hereditary neoplastic syndrome; Neoplastic Syndromes, Hereditary. Identifiers: Orphanet 140162, MedGen C0027672, MeSH D009386, MONDO:0015356.

Submission:

Ambry Genetics
Classification: Uncertain significance for Hereditary cancer-predisposing syndrome. Last evaluated: 2024-10-09. Review status: criteria provided, single submitter. Criteria: Ambry Variant Classification Scheme 2023. Collection method: clinical testing. Allele origin: germline.
Comment: The p.P1097L variant (also known as c.3290C>T), located in coding exon 5 of the MSH6 gene, results from a C to T substitution at nucleotide position 3290. The proline at codon 1097 is replaced by leucine, an amino acid with similar properties. This amino acid position is highly conserved in available vertebrate species. In addition, this alteration is predicted to be deleterious by in silico analysis. Based on the available evidence, the clinical significance of this variant remains unclear.